The following is an entry in ClinVar:

NM_000051.4(ATM):c.804A>G (p.Gln268=)

Gene: ATM (ATM serine/threonine kinase; plus strand). Cytogenetic location: 11q22.3.
Variant type: single nucleotide variant.
Coding change: c.804A>G on transcript NM_000051.4 (MANE Select); coding-DNA position 804, A replaced by G.
Protein change: p.Gln268=; no amino-acid change (glutamine 268 retained).
Molecular consequence: synonymous variant.
Genome position (GRCh38, 1-based): chr11:108,244,929, A>G. VCF-style: chr11-108244929-A-G. GRCh37 (hg19) VCF-style: chr11-108115656-A-G.
Other names: c.804A>G, p.Gln268= (NM_001351834.2); c.804A>G (NM_000051.3).
Identifiers: ClinVar variation 1003616 (VCV001003616.10), dbSNP rs2079766818, ClinGen allele CA476744762.

ClinVar aggregate classification (germline): Benign/Likely benign. Review status: criteria provided, multiple submitters, no conflicts (2 of 4 stars). 3 submissions from 3 submitters: Benign (1); Likely benign (2). Last evaluated 2024-10-13.

Conditions:
Familial cancer of breast. Also called: hereditary breast carcinoma; BREAST CANCER, FAMILIAL; Hereditary breast cancer. Identifiers: Orphanet 227535, MedGen C0346153, MONDO:0016419, OMIM 114480. Disease mechanism: loss of function.
Hereditary cancer-predisposing syndrome. Also called: Hereditary neoplastic syndrome; Neoplastic Syndromes, Hereditary; Tumor predisposition; Hereditary Cancer Syndrome. Identifiers: Orphanet 140162, MedGen C0027672, MeSH D009386, MONDO:0015356.
Ataxia-telangiectasia syndrome (AT). Also called: Ataxia-telangiectasia, complementation group D; AT, COMPLEMENTATION GROUP C; ATAXIA-TELANGIECTASIA, COMPLEMENTATION GROUP A; ATAXIA-TELANGIECTASIA, FRESNO VARIANT; Ataxia-telangiectasia; Cerebello-oculocutaneous telangiectasia. Identifiers: Orphanet 100, MedGen C0004135, MONDO:0008840, OMIM 208900.

Allele frequency attached by ClinVar (database versions not stated): gnomAD exomes below 0.00001; gnomAD 0.00001.
gnomAD v4.1: 2 of 1,613,342 alleles (0.00012%); highest among the groups gnomAD compares: African/African-American, 0.0013%; no homozygotes.

Submissions (3):

Labcorp Genetics (formerly Invitae), Labcorp
Classification: Likely benign for Ataxia-telangiectasia syndrome. Last evaluated: 2024-10-13. Review status: criteria provided, single submitter. Criteria: Invitae Variant Classification Sherloc (09022015). Collection method: clinical testing. Allele origin: germline.

Ambry Genetics
Classification: Likely benign for Hereditary cancer-predisposing syndrome. Last evaluated: 2024-08-05. Review status: criteria provided, single submitter. Criteria: Ambry Variant Classification Scheme 2023. Collection method: clinical testing. Allele origin: germline.

Myriad Genetics, Inc.
Classification: Benign for Familial cancer of breast. Last evaluated: 2024-04-23. Review status: criteria provided, single submitter. Criteria: Myriad Autosomal Dominant, Autosomal Recessive and X-Linked Classification Criteria (2023). Collection method: clinical testing. Allele origin: unknown.
Comment: This variant is considered benign. This variant is a silent/synonymous amino acid change and it is not expected to impact splicing.